The following is an entry in ClinVar:

NM_022436.3(ABCG5):c.*416G>A

Genes: ABCG5 (ATP binding cassette subfamily G member 5; minus strand), DYNC2LI1 (dynein cytoplasmic 2 light intermediate chain 1; plus strand). Cytogenetic location: 2p21.
Variant type: single nucleotide variant.
Coding change: c.*416G>A on transcript NM_022436.3 (MANE Select); 416 bases downstream of the stop codon, G replaced by A.
Molecular consequence: 3 prime UTR variant. On other transcripts: intron variant (2).
Genome position (GRCh38, 1-based): chr2:43,812,700, C>T on the plus strand (G>A on the coding strand, the complement: ABCG5 is on the minus strand). VCF-style: chr2-43812700-C-T. GRCh37 (hg19) VCF-style: chr2-44039839-C-T.
Other names: c.*15+2176C>T (NM_001348913.2, NM_001348912.2).
Identifiers: ClinVar variation 336029 (VCV000336029.8), dbSNP rs2278357, ClinGen allele CA10613349.

ClinVar aggregate classification (germline): Benign. Review status: criteria provided, multiple submitters, no conflicts (2 of 4 stars). 2 submissions from 2 submitters: Benign (2). Last evaluated 2018-01-13.

Conditions:
Sitosterolemia 1. Identifiers: MedGen C2749759, MONDO:0020747, OMIM 210250.

Allele frequency attached by ClinVar (database versions not stated): gnomAD exomes 0.15643; gnomAD 0.21979 and 0.22007; 1000 Genomes Project 0.24720; TOPMed 0.23504.
gnomAD v4.1: 41,149 of 202,312 alleles (20%); highest among the groups gnomAD compares: African/African-American, 34%; 5,029 homozygotes.

Submissions (2):

Illumina Laboratory Services, Illumina
Classification: Benign for Sitosterolemia 1. Last evaluated: 2018-01-13. Review status: criteria provided, single submitter. Criteria: ICSL Variant Classification Criteria 13 December 2019. Collection method: clinical testing. Allele origin: germline.
Comment: This variant was observed in the ICSL laboratory as part of a predisposition screen in an ostensibly healthy population. It had not been previously curated by ICSL or reported in the Human Gene Mutation Database (HGMD: prior to June 1st, 2018), and was therefore a candidate for classification through an automated scoring system. Utilizing variant allele frequency, disease prevalence and penetrance estimates, and inheritance mode, an automated score was calculated to assess if this variant is too frequent to cause the disease. Based on the score and internal cut-off values, a variant classified as benign is not then subjected to further curation. The score for this variant resulted in a classification of benign for this disease.

Breakthrough Genomics
Classification: Benign. Review status: criteria provided, single submitter. Criteria: ACMG Guidelines, 2015. Collection method: not provided. Allele origin: germline. Inheritance: Autosomal recessive inheritance. Affected: yes.